The following is an entry in ClinVar:

NM_001378183.1(PIEZO2):c.792C>A (p.Asp264Glu)

Gene: PIEZO2 (piezo type mechanosensitive ion channel component 2; minus strand). Cytogenetic location: 18p11.22.
Variant type: single nucleotide variant.
Coding change: c.792C>A on transcript NM_001378183.1 (MANE Select); coding-DNA position 792, C replaced by A.
Protein change: p.Asp264Glu; replaces aspartic acid 264 with glutamic acid.
Molecular consequence: missense variant.
Genome position (GRCh38, 1-based): chr18:10,855,478, G>T on the plus strand (C>A on the coding strand, the complement: PIEZO2 is on the minus strand). VCF-style: chr18-10855478-G-T. GRCh37 (hg19) VCF-style: chr18-10855476-G-T.
Other names: c.792C>A, p.Asp264Glu (NM_001410871.1, NM_022068.4); short protein forms D264E.
Identifiers: ClinVar variation 4693693 (VCV004693693.1).

ClinVar aggregate classification (germline): Uncertain significance (1 of 4 stars; one submission).

gnomAD v4.1: 25 of 1,537,004 alleles (0.0016%); highest among the groups gnomAD compares: South Asian, 0.026%; no homozygotes.

Submission:

Labcorp Genetics (formerly Invitae), Labcorp
Classification: Uncertain significance. Last evaluated: 2025-04-05. Review status: criteria provided, single submitter. Criteria: Invitae Variant Classification Sherloc (09022015). Collection method: clinical testing. Allele origin: germline.
Comment: This sequence change replaces aspartic acid, which is acidic and polar, with glutamic acid, which is acidic and polar, at codon 264 of the PIEZO2 protein (p.Asp264Glu). The frequency data for this variant in the population databases is considered unreliable, as metrics indicate poor data quality at this position in the gnomAD database. This variant has not been reported in the literature in individuals affected with PIEZO2-related conditions. Invitae Evidence Modeling of protein sequence and biophysical properties (such as structural, functional, and spatial information, amino acid conservation, physicochemical variation, residue mobility, and thermodynamic stability) indicates that this missense variant is not expected to disrupt PIEZO2 protein function with a negative predictive value of 80%. In summary, the available evidence is currently insufficient to determine the role of this variant in disease. Therefore, it has been classified as a Variant of Uncertain Significance.